The following is an entry in ClinVar:

NM_000038.6(APC):c.8381G>C (p.Ser2794Thr)

Gene: APC (APC regulator of Wnt signaling pathway; plus strand). Cytogenetic location: 5q22.2.
Variant type: single nucleotide variant.
Coding change: c.8381G>C on transcript NM_000038.6 (MANE Select); coding-DNA position 8381, G replaced by C.
Protein change: p.Ser2794Thr; replaces serine 2794 with threonine.
Molecular consequence: missense variant.
Genome position (GRCh38, 1-based): chr5:112,843,975, G>C. VCF-style: chr5-112843975-G-C. GRCh37 (hg19) VCF-style: chr5-112179672-G-C.
Other names: c.8381G>C, p.Ser2794Thr (NM_001127510.3, NM_001354895.2); c.8327G>C, p.Ser2776Thr (NM_001127511.3); c.8435G>C, p.Ser2812Thr (NM_001354896.2); c.8411G>C, p.Ser2804Thr (NM_001354897.2); c.8306G>C, p.Ser2769Thr (NM_001354898.2); c.8297G>C, p.Ser2766Thr (NM_001354899.2); c.8258G>C, p.Ser2753Thr (NM_001354900.2); c.8204G>C, p.Ser2735Thr (NM_001354901.2); and 5 more; short protein forms S2511T, S2634T, S2668T, S2693T, S2703T, S2735T, S2753T, S2766T.
Identifiers: ClinVar variation 1002497 (VCV001002497.10), dbSNP rs1381074160, ClinGen allele CA16039523.

ClinVar aggregate classification (germline): Uncertain significance (1 of 4 stars; one submission).

Conditions:
Familial adenomatous polyposis 1 (FAP1). Also called: FAMILIAL ADENOMATOUS POLYPOSIS 1, ATTENUATED; POLYPOSIS, ADENOMATOUS INTESTINAL. Identifiers: MedGen C2713442, MONDO:0021056, OMIM 175100. Disease mechanism: loss of function.

Submission:

Labcorp Genetics (formerly Invitae), Labcorp
Classification: Uncertain significance for Familial adenomatous polyposis 1. Last evaluated: 2020-06-28. Review status: criteria provided, single submitter. Criteria: Invitae Variant Classification Sherloc (09022015). Collection method: clinical testing. Allele origin: germline.
Comment: In summary, the available evidence is currently insufficient to determine the role of this variant in disease. Therefore, it has been classified as a Variant of Uncertain Significance. Algorithms developed to predict the effect of missense changes on protein structure and function (SIFT, PolyPhen-2, Align-GVGD) all suggest that this variant is likely to be tolerated, but these predictions have not been confirmed by published functional studies and their clinical significance is uncertain. This variant has not been reported in the literature in individuals with APC-related conditions. This variant is not present in population databases (ExAC no frequency). This sequence change replaces serine with threonine at codon 2794 of the APC protein (p.Ser2794Thr). The serine residue is highly conserved and there is a small physicochemical difference between serine and threonine.